The following is an entry in ClinVar:

NM_001005242.3(PKP2):c.55C>T (p.Gln19Ter)

Gene: PKP2 (plakophilin 2; minus strand). Cytogenetic location: 12p11.21.
Variant type: single nucleotide variant.
Coding change: c.55C>T on transcript NM_001005242.3 (MANE Select); coding-DNA position 55, C replaced by T.
Protein change: p.Gln19Ter; replaces glutamine 19 with a stop codon.
Molecular consequence: nonsense. On other transcripts: 5 prime UTR variant (4).
Genome position (GRCh38, 1-based): chr12:32,896,677, G>A on the plus strand (C>T on the coding strand, the complement: PKP2 is on the minus strand). VCF-style: chr12-32896677-G-A. GRCh37 (hg19) VCF-style: chr12-33049611-G-A.
Other names: c.55C>T, p.Gln19Ter (NM_001407155.1, NM_001407156.1, NM_001407157.1 and 2 more transcripts); c.-772C>T (NM_001407158.1, NM_001407162.1); c.-536C>T (NM_001407159.1, NM_001407160.1); short protein forms Q19*.
Identifiers: ClinVar variation 5026790 (VCV005026790.1).

ClinVar aggregate classification (germline): Likely pathogenic (1 of 4 stars; one submission).

Conditions:
Cardiovascular phenotype. Identifiers: MedGen CN230736.

gnomAD v4.1: 1 of 1,547,212 alleles (0.000065%); highest among the groups gnomAD compares: South Asian, 0.0012%; no homozygotes.

Submission:

Ambry Genetics
Classification: Likely pathogenic for Cardiovascular phenotype. Last evaluated: 2026-09-08. Review status: criteria provided, single submitter. Criteria: Ambry Variant Classification Scheme 2023. Collection method: clinical testing. Allele origin: germline.
Comment: The p.Q19* variant (also known as c.55C>T), located in coding exon 1 of the PKP2 gene, results from a C to T substitution at nucleotide position 55. This changes the amino acid from a glutamine to a stop codon within coding exon 1. The predicted stop codon occurs in the 5&rsquo; end of thegene. Premature termination codons in the 5&rsquo; end of a gene have been reported to escape nonsense-mediated mRNAdecay and/or lead to re-initiation (Rivas et al. Science. 2015 May 8;348(6235):666-9; Lindeboom et al. Nat Genet. 2016 Oct;48(10):1112-8; Rhee et al. Sci Rep. 2017 May 10;7(1):1653). Direct evidence for this variant is unavailable, however premature termination codons are typically deleterious in nature. This variant was reported in individual(s) with features consistent with arrhythmogenic right ventricular cardiomyopathy (Rekker LY et al. J Cardiovasc Magn Reson, 2024 Jul;26:101059). This variant is considered to be rare based on population cohorts in the Genome Aggregation Database (gnomAD). Based on the majority of available evidence to date, this variant is likely to be pathogenic.

Literature cited by the submitters: PubMed 38986843.